The following is an entry in ClinVar:

ClinVar aggregate classification (germline): Conflicting classifications of pathogenicity. Review status: criteria provided, conflicting classifications (1 of 4 stars). 3 submissions from 3 submitters: Uncertain significance (2); Likely benign (1). Last evaluated 2026-01-05.

Allele frequency attached by ClinVar (database versions not stated): gnomAD 0.00001; gnomAD exomes 0.00001; TOPMed 0.00002.
gnomAD v4.1: 10 of 1,611,728 alleles (0.00062%); highest among the groups gnomAD compares: East Asian, 0.0022%; no homozygotes.

Submissions (3):

Labcorp Genetics (formerly Invitae), Labcorp
Classification: Likely benign. Last evaluated: 2026-01-05. Review status: criteria provided, single submitter. Criteria: Invitae Variant Classification Sherloc (09022015). Collection method: clinical testing. Allele origin: germline.

Blueprint Genetics
Classification: Uncertain significance. Last evaluated: 2020-03-16. Review status: criteria provided, single submitter. Criteria: ACMG Guidelines, 2015. Collection method: clinical testing. Allele origin: germline.

GeneDx
Classification: Uncertain significance. Last evaluated: 2019-07-16. Review status: criteria provided, single submitter. Criteria: GeneDx Variant Classification Process June 2021. Collection method: clinical testing. Allele origin: germline. Affected: yes.
Comment: Has not been previously published as pathogenic or benign to our knowledge; Not observed at a significant frequency in large population cohorts (Lek et al., 2016); In silico analysis, which includes protein predictors and evolutionary conservation, supports a deleterious effect

NM_080680.3(COL11A2):c.1403C>T (p.Ala468Val)

Gene: COL11A2 (collagen type XI alpha 2 chain; minus strand). Cytogenetic location: 6p21.32.
Variant type: single nucleotide variant.
Coding change: c.1403C>T on transcript NM_080680.3 (MANE Select); coding-DNA position 1403, C replaced by T.
Protein change: p.Ala468Val; replaces alanine 468 with valine.
Molecular consequence: missense variant.
Genome position (GRCh38, 1-based): chr6:33,179,762, G>A on the plus strand (C>T on the coding strand, the complement: COL11A2 is on the minus strand). VCF-style: chr6-33179762-G-A. GRCh37 (hg19) VCF-style: chr6-33147539-G-A.
Other names: c.1082C>T, p.Ala361Val (NM_080679.3); c.1145C>T, p.Ala382Val (NM_080681.3); short protein forms A361V, A382V, A468V.
Identifiers: ClinVar variation 1306795 (VCV001306795.10), dbSNP rs1475898236, ClinGen allele CA363606011.
Genomic context (GRCh38, chr6:33,179,762, plus strand): 5'-GAAGCAGCCCCACTCACCCTCGCCTGCTGCAGGATCGCCTGGGCCTGAGCCTCCTGGGCC[G>A]CCACCACAGGGCCCTTGTCACCCCCACCACTGCCAAACCGGAACTGAGGTCAAGGAGAGA-3'
Protein context (NP_542411.2, residues 458-478): SGGGDKGPVV[Ala468Val]AQEAQAQAIL